The following is an entry in ClinVar:

NM_001081.4(CUBN):c.6538G>A (p.Ala2180Thr)

Gene: CUBN (cubilin; minus strand). Cytogenetic location: 10p13.
Variant type: single nucleotide variant.
Coding change: c.6538G>A on transcript NM_001081.4 (MANE Select); coding-DNA position 6538, G replaced by A.
Protein change: p.Ala2180Thr; replaces alanine 2180 with threonine.
Molecular consequence: missense variant.
Genome position (GRCh38, 1-based): chr10:16,925,349, C>T on the plus strand (G>A on the coding strand, the complement: CUBN is on the minus strand). VCF-style: chr10-16925349-C-T. GRCh37 (hg19) VCF-style: chr10-16967348-C-T.
Other names: short protein forms A2180T.
Identifiers: ClinVar variation 1329521 (VCV001329521.4), dbSNP rs769495257, ClinGen allele CA376150853.

ClinVar aggregate classification (germline): Uncertain significance. Review status: criteria provided, multiple submitters, no conflicts (2 of 4 stars). 2 submissions from 2 submitters: Uncertain significance (2). Last evaluated 2024-07-11.

Conditions:
Proteinuria, chronic benign. Identifiers: MedGen C5394384, MONDO:0030042, OMIM 618884.
Imerslund-Grasbeck syndrome type 1 (IGS1). Also called: Megaloblastic anemia 1, Finnish type; MEGALOBLASTIC ANEMIA, 1; Imerslund-Gräsbeck syndrome 1. Identifiers: MedGen C4016819, MONDO:0100156, OMIM 261100.

gnomAD v4.1: 11 of 1,613,888 alleles (0.00068%); highest among the groups gnomAD compares: South Asian, 0.0033%; no homozygotes.

Submissions (2):

GeneDx
Classification: Uncertain significance. Last evaluated: 2024-07-11. Review status: criteria provided, single submitter. Criteria: GeneDx Variant Classification Process June 2021. Collection method: clinical testing. Allele origin: germline. Affected: yes.
Comment: Not observed at significant frequency in large population cohorts (gnomAD); In silico analysis indicates that this missense variant does not alter protein structure/function; Has not been previously published as pathogenic or benign to our knowledge

Fulgent Genetics
Classification: Uncertain significance for Imerslund-Grasbeck syndrome type 1; Proteinuria, chronic benign. Last evaluated: 2024-02-07. Review status: criteria provided, single submitter. Criteria: ACMG Guidelines, 2015. Collection method: clinical testing. Allele origin: germline.